The following is an entry in ClinVar:

NM_005045.4(RELN):c.3256G>T (p.Val1086Phe)

Gene: RELN (reelin; minus strand). Cytogenetic location: 7q22.1.
Variant type: single nucleotide variant.
Coding change: c.3256G>T on transcript NM_005045.4 (MANE Select); coding-DNA position 3256, G replaced by T.
Protein change: p.Val1086Phe; replaces valine 1086 with phenylalanine.
Molecular consequence: missense variant.
Genome position (GRCh38, 1-based): chr7:103,603,381, C>A on the plus strand (G>T on the coding strand, the complement: RELN is on the minus strand). VCF-style: chr7-103603381-C-A. GRCh37 (hg19) VCF-style: chr7-103243828-C-A.
Other names: c.3256G>T, p.Val1086Phe (NM_173054.3); short protein forms V1086F.
Identifiers: ClinVar variation 2630451 (VCV002630451.1), dbSNP rs2484735150, ClinGen allele CA368763041.

ClinVar aggregate classification (germline): Uncertain significance (1 of 4 stars; one submission).

Conditions:
RELN-related disorder. Also called: RELN-related condition.

Submission:

PreventionGenetics, part of Exact Sciences
Classification: Uncertain significance for RELN-related condition. Last evaluated: 2023-02-01. Review status: criteria provided, single submitter. Criteria: ACMG Guidelines, 2015. Collection method: clinical testing. Allele origin: germline.
Comment: The RELN c.3256G>T variant is predicted to result in the amino acid substitution p.Val1086Phe. This variant was reported as a contributing factor in an individual with intellectual disability (Table S1, Carraro et al. 2019. PubMed ID: 31144778). This variant has not been reported in a large population database, indicating this variant is rare. At this time, the clinical significance of this variant is uncertain due to the absence of conclusive functional and genetic evidence.